The following is an entry in ClinVar:

NM_002528.7(NTHL1):c.295G>C (p.Asp99His)

Gene: NTHL1 (nth like DNA glycosylase 1; minus strand). Cytogenetic location: 16p13.3.
Variant type: single nucleotide variant.
Coding change: c.295G>C on transcript NM_002528.7 (MANE Select); coding-DNA position 295, G replaced by C.
Protein change: p.Asp99His; replaces aspartic acid 99 with histidine.
Molecular consequence: missense variant. On other transcripts: intron variant (1).
Genome position (GRCh38, 1-based): chr16:2,046,187, C>G on the plus strand (G>C on the coding strand, the complement: NTHL1 is on the minus strand). VCF-style: chr16-2046187-C-G. GRCh37 (hg19) VCF-style: chr16-2096188-C-G.
Other names: c.295G>C, p.Asp99His (NM_001318193.2); c.24+93G>C (NM_001318194.2); short protein forms D99H.
Identifiers: ClinVar variation 1728776 (VCV001728776.8), dbSNP rs760130778, ClinGen allele CA7828328.

ClinVar aggregate classification (germline): Uncertain significance. Review status: criteria provided, multiple submitters, no conflicts (2 of 4 stars). 3 submissions from 3 submitters: Uncertain significance (3). Last evaluated 2025-11-23.

Conditions:
Hereditary cancer-predisposing syndrome. Also called: Hereditary Cancer Syndrome; Hereditary neoplastic syndrome; Neoplastic Syndromes, Hereditary; Tumor predisposition. Identifiers: Orphanet 140162, MedGen C0027672, MeSH D009386, MONDO:0015356.
Familial adenomatous polyposis 3. Also called: NTHL1-related attenuated familial adenomatous polyposis; NTHL1-Related Adenomatous Polyposis and Colorectal Cancer; NTHL1 Tumor Syndrome; NTHL1-associated polyposis. Identifiers: Orphanet 220460, Orphanet 454840, MedGen C4225157, MONDO:0014630, OMIM 616415.

Allele frequency attached by ClinVar (database versions not stated): ExAC 0.00001.
gnomAD v4.1: 2 of 1,613,292 alleles (0.00012%); highest among the groups gnomAD compares: South Asian, 0.0022%; no homozygotes.

Submissions (3):

Labcorp Genetics (formerly Invitae), Labcorp
Classification: Uncertain significance. Last evaluated: 2025-11-23. Review status: criteria provided, single submitter. Criteria: Invitae Variant Classification Sherloc (09022015). Collection method: clinical testing. Allele origin: germline.
Comment: This sequence change replaces aspartic acid, which is acidic and polar, with histidine, which is basic and polar, at codon 107 of the NTHL1 protein (p.Asp107His). This variant is present in population databases (rs760130778, gnomAD 0.003%). This variant has not been reported in the literature in individuals affected with NTHL1-related conditions. ClinVar contains an entry for this variant (Variation ID: 1728776). An algorithm developed to predict the effect of missense changes on protein structure and function (PolyPhen-2) suggests that this variant is likely to be disruptive. In summary, the available evidence is currently insufficient to determine the role of this variant in disease. Therefore, it has been classified as a Variant of Uncertain Significance.

Ambry Genetics
Classification: Uncertain significance for Hereditary cancer-predisposing syndrome. Last evaluated: 2025-01-03. Review status: criteria provided, single submitter. Criteria: Ambry Variant Classification Scheme 2023. Collection method: clinical testing. Allele origin: germline.
Comment: The p.D107H variant (also known as c.319G>C), located in coding exon 2 of the NTHL1 gene, results from a G to C substitution at nucleotide position 319. The aspartic acid at codon 107 is replaced by histidine, an amino acid with similar properties. This amino acid position is conserved. In addition, this alteration is predicted to be deleterious by in silico analysis. Since supporting evidence is limited at this time, the clinical significance of this alteration remains unclear.

Neuberg Centre For Genomic Medicine, NCGM
Classification: Uncertain significance for Familial adenomatous polyposis 3. Review status: criteria provided, single submitter. Criteria: ACMG Guidelines, 2015. Collection method: clinical testing. Allele origin: germline. Inheritance: Autosomal recessive inheritance. Affected: yes.
Comment: This variant has not been reported previously in literature. In the absence of another reportable variant, the molecular diagnosis is not confirmed